The following is an entry in ClinVar:

ClinVar aggregate classification (germline): Likely benign. Review status: criteria provided, multiple submitters, no conflicts (2 of 4 stars). 3 submissions from 3 submitters: Likely benign (2). 1 of the submissions does not count toward it. Last evaluated 2026-01-06.

Conditions:
GCM2-related disorder. Also called: GCM2-related condition.

Allele frequency attached by ClinVar (database versions not stated): ExAC 0.00040; gnomAD 0.00153 and 0.00137; gnomAD exomes 0.00033; 1000 Genomes Project 30x 0.00062; TOPMed 0.00178; 1000 Genomes Project 0.00060; ESP Exome Variant Server 0.00115.
gnomAD v4.1: 437 of 1,609,392 alleles (0.027%); highest among the groups gnomAD compares: African/African-American, 0.48%; no homozygotes.

Submissions (3):

Labcorp Genetics (formerly Invitae), Labcorp
Classification: Likely benign. Last evaluated: 2026-01-06. Review status: criteria provided, single submitter. Criteria: Invitae Variant Classification Sherloc (09022015). Collection method: clinical testing. Allele origin: germline.

Breakthrough Genomics
Classification: Likely benign. Review status: criteria provided, single submitter. Criteria: ACMG Guidelines, 2015. Collection method: not provided. Allele origin: germline. Inheritance: Autosomal recessive inheritance. Affected: yes.

PreventionGenetics, part of Exact Sciences
Classification: Likely benign for GCM2-related condition. Last evaluated: 2020-10-12. Review status: no assertion criteria provided. Collection method: clinical testing. Allele origin: germline. Not counted in ClinVar's aggregate classification.
Comment: This variant is classified as likely benign based on ACMG/AMP sequence variant interpretation guidelines (Richards et al. 2015 PMID: 25741868, with internal and published modifications).

NM_004752.4(GCM2):c.21G>C (p.Gln7His)

Gene: GCM2 (glial cells missing transcription factor 2; minus strand). Cytogenetic location: 6p24.2.
Variant type: single nucleotide variant.
Coding change: c.21G>C on transcript NM_004752.4 (MANE Select); coding-DNA position 21, G replaced by C.
Protein change: p.Gln7His; replaces glutamine 7 with histidine.
Molecular consequence: missense variant.
Genome position (GRCh38, 1-based): chr6:10,881,773, C>G on the plus strand (G>C on the coding strand, the complement: GCM2 is on the minus strand). VCF-style: chr6-10881773-C-G. GRCh37 (hg19) VCF-style: chr6-10882006-C-G.
Other names: short protein forms Q7H.
Identifiers: ClinVar variation 768062 (VCV000768062.12), dbSNP rs138884230, ClinGen allele CA3634200.